The following is an entry in ClinVar:

NM_000018.4(ACADVL):c.40C>G (p.Leu14Val)

Genes: ACADVL (acyl-CoA dehydrogenase very long chain; plus strand), DLG4 (discs large MAGUK scaffold protein 4; minus strand). Cytogenetic location: 17p13.1.
Variant type: single nucleotide variant.
Coding change: c.40C>G on transcript NM_000018.4 (MANE Select); coding-DNA position 40, C replaced by G.
Protein change: p.Leu14Val; replaces leucine 14 with valine.
Molecular consequence: missense variant. On other transcripts: 5 prime UTR variant (2), non-coding transcript variant (1), intron variant (1).
Genome position (GRCh38, 1-based): chr17:7,220,024, C>G. VCF-style: chr17-7220024-C-G. GRCh37 (hg19) VCF-style: chr17-7123343-C-G.
Other names: c.-1175G>C (NM_001321074.1); c.40C>G, p.Leu14Val (NM_001033859.3); c.-264C>G (NM_001270448.2); c.132-98C>G (NM_001270447.2); short protein forms L14V.
Identifiers: ClinVar variation 2980072 (VCV002980072.3), dbSNP rs2508230766, ClinGen allele CA397721969.

ClinVar aggregate classification (germline): Uncertain significance (1 of 4 stars; one submission).

Conditions:
Very long chain acyl-CoA dehydrogenase deficiency (ACADVLD). Also called: VLCAD Deficiency; Very Long-Chain Acyl-Coenzyme A Dehydrogenase Deficiency. Identifiers: Orphanet 26793, MedGen C3887523, MONDO:0008723, OMIM 201475.

Submission:

Labcorp Genetics (formerly Invitae), Labcorp
Classification: Uncertain significance for Very long chain acyl-CoA dehydrogenase deficiency. Last evaluated: 2023-05-29. Review status: criteria provided, single submitter. Criteria: Invitae Variant Classification Sherloc (09022015). Collection method: clinical testing. Allele origin: germline.
Comment: In summary, the available evidence is currently insufficient to determine the role of this variant in disease. Therefore, it has been classified as a Variant of Uncertain Significance. Algorithms developed to predict the effect of sequence changes on RNA splicing suggest that this variant may create or strengthen a splice site. Advanced modeling of protein sequence and biophysical properties (such as structural, functional, and spatial information, amino acid conservation, physicochemical variation, residue mobility, and thermodynamic stability) performed at Invitae indicates that this missense variant is expected to disrupt ACADVL protein function. This variant has not been reported in the literature in individuals affected with ACADVL-related conditions. This variant is not present in population databases (gnomAD no frequency). This sequence change replaces leucine, which is neutral and non-polar, with valine, which is neutral and non-polar, at codon 14 of the ACADVL protein (p.Leu14Val).